The following is an entry in ClinVar:

ClinVar aggregate classification (germline): Uncertain significance (1 of 4 stars; one submission).

Submission:

GeneDx
Classification: Uncertain significance. Last evaluated: 2023-11-29. Review status: criteria provided, single submitter. Criteria: GeneDx Variant Classification Process June 2021. Collection method: clinical testing. Allele origin: germline. Affected: yes.
Comment: Not observed at significant frequency in large population cohorts (gnomAD); In silico analysis supports that this missense variant does not alter protein structure/function; Has not been previously published as pathogenic or benign to our knowledge

NM_002764.4(PRPS1):c.21C>A (p.Phe7Leu)

Gene: PRPS1 (phosphoribosyl pyrophosphate synthetase 1; plus strand). Cytogenetic location: Xq22.3.
Variant type: single nucleotide variant.
Coding change: c.21C>A on transcript NM_002764.4 (MANE Select); coding-DNA position 21, C replaced by A.
Protein change: p.Phe7Leu; replaces phenylalanine 7 with leucine.
Molecular consequence: missense variant. On other transcripts: 5 prime UTR variant (1).
Genome position (GRCh38, 1-based): chrX:107,628,649, C>A. VCF-style: chrX-107628649-C-A. GRCh37 (hg19) VCF-style: chrX-106871879-C-A.
Other names: c.-184C>A (NM_001204402.2); short protein forms F7L.
Identifiers: ClinVar variation 2504550 (VCV002504550.2), dbSNP rs2521317725, ClinGen allele CA413799625.